The following is an entry in ClinVar:

ClinVar aggregate classification (germline): Benign (0 of 4 stars; one submission).

Conditions:
OSMR-related disorder. Also called: OSMR-related condition.

Allele frequency attached by ClinVar (database versions not stated): gnomAD 0.00015; gnomAD exomes 0.00018; ExAC 0.00040; 1000 Genomes Project 30x 0.00109; 1000 Genomes Project 0.00140.
gnomAD v4.1: 277 of 1,614,050 alleles (0.017%); highest among the groups gnomAD compares: East Asian, 0.59%; 1 homozygote.

Submission:

PreventionGenetics, part of Exact Sciences
Classification: Benign for OSMR-related condition. Last evaluated: 2019-06-25. Review status: no assertion criteria provided. Collection method: clinical testing. Allele origin: germline.
Comment: This variant is classified as benign based on ACMG/AMP sequence variant interpretation guidelines (Richards et al. 2015 PMID: 25741868, with internal and published modifications).

NM_003999.3(OSMR):c.2877C>G (p.Pro959=)

Gene: OSMR (oncostatin M receptor; plus strand). Cytogenetic location: 5p13.1.
Variant type: single nucleotide variant.
Coding change: c.2877C>G on transcript NM_003999.3 (MANE Select); coding-DNA position 2877, C replaced by G.
Protein change: p.Pro959=; no amino-acid change (proline 959 retained).
Molecular consequence: synonymous variant.
Genome position (GRCh38, 1-based): chr5:38,933,381, C>G. VCF-style: chr5-38933381-C-G. GRCh37 (hg19) VCF-style: chr5-38933483-C-G.
Other names: c.2877C>G, p.Pro959= (NM_001323505.2); c.2880C>G, p.Pro960= (NM_001323506.2).
Identifiers: ClinVar variation 3037356 (VCV003037356.2), dbSNP rs190725368, ClinGen allele CA3244455.
Genomic context (GRCh38, chr5:38,933,381, plus strand): 5'-ACCACACTGTTCAGAGTATAAAATGCAAATGGCAGTCTCCCTGCGTCTTGCCTTGCCTCC[C>G]CCGACCGAGAATAGCAGCCTCTCCTCAATTACCCTTTTAGATCCAGGTGAACACTACTGC-3'
Protein context (NP_003990.1, residues 949-969): MAVSLRLALP[Pro959=]PTENSSLSSI